The following is an entry in ClinVar:

NM_001080517.3(SETD5):c.3772_3773del (p.Ser1258fs)

Gene: SETD5 (SET domain containing 5; plus strand). Cytogenetic location: 3p25.3.
Variant type: Microsatellite.
Coding change: c.3772_3773del on transcript NM_001080517.3 (MANE Select); coding-DNA positions 3772 to 3773, 2 bases deleted (AG; older notation c.3772_3773delAG).
Protein change: p.Ser1258fs; shifts the reading frame from serine 1258.
Molecular consequence: frameshift variant.
Genome position (GRCh38, 1-based): chr3:9,475,534-9,475,535, AG deleted; deleting any 2 consecutive bases within chr3:9,475,532-9,475,535 gives the same sequence; the c. name uses the placement nearest the transcript's 3' end. VCF-style (leftmost placement, unchanged base first): chr3-9475531-CAG-C. GRCh37 (hg19) VCF-style: chr3-9517215-CAG-C.
Other names: c.3478_3479del, p.Ser1160fs (NM_001292043.2, NM_001349451.2); short protein forms S1160fs, S1258fs.
Identifiers: ClinVar variation 2446249 (VCV002446249.1), dbSNP rs2473977917, ClinGen allele CA2573050866.

ClinVar aggregate classification (germline): Likely pathogenic (1 of 4 stars; one submission).

Submission:

GeneDx
Classification: Likely pathogenic. Last evaluated: 2023-03-26. Review status: criteria provided, single submitter. Criteria: GeneDx Variant Classification Process June 2021. Collection method: clinical testing. Allele origin: germline. Affected: yes.
Comment: Frameshift variant predicted to result in protein truncation, as the last 185 amino acids are replaced with 63 different amino acids, and other loss-of-function variants have been reported downstream in the Human Gene Mutation Database (HGMD); Not observed at significant frequency in large population cohorts (gnomAD); Has not been previously published as pathogenic or benign to our knowledge